The following is an entry in ClinVar:

NM_000037.4(ANK1):c.4780G>T (p.Asp1594Tyr)

Gene: ANK1 (ankyrin 1; minus strand). Cytogenetic location: 8p11.21.
Variant type: single nucleotide variant.
Coding change: c.4780G>T on transcript NM_000037.4 (MANE Select); coding-DNA position 4780, G replaced by T.
Protein change: p.Asp1594Tyr; replaces aspartic acid 1594 with tyrosine.
Molecular consequence: missense variant. On other transcripts: intron variant (1).
Genome position (GRCh38, 1-based): chr8:41,672,670, C>A on the plus strand (G>T on the coding strand, the complement: ANK1 is on the minus strand). VCF-style: chr8-41672670-C-A. GRCh37 (hg19) VCF-style: chr8-41530188-C-A.
Other names: c.4903G>T, p.Asp1635Tyr (NM_001142446.2); c.4780G>T, p.Asp1594Tyr (NM_020475.3, NM_020476.3); c.4538-244G>T (NM_020477.3); short protein forms D1635Y, D1594Y.
Identifiers: ClinVar variation 4733243 (VCV004733243.1).

ClinVar aggregate classification (germline): Uncertain significance (1 of 4 stars; one submission).

gnomAD v4.1: 4 of 1,614,248 alleles (0.00025%); highest among the groups gnomAD compares: Admixed American, 0.0067%; no homozygotes.

Submission:

Labcorp Genetics (formerly Invitae), Labcorp
Classification: Uncertain significance. Last evaluated: 2025-06-06. Review status: criteria provided, single submitter. Criteria: Invitae Variant Classification Sherloc (09022015). Collection method: clinical testing. Allele origin: germline.
Comment: This sequence change replaces aspartic acid, which is acidic and polar, with tyrosine, which is neutral and polar, at codon 1594 of the ANK1 protein (p.Asp1594Tyr). This variant is present in population databases (no rsID available, gnomAD 0.01%). This variant has not been reported in the literature in individuals affected with ANK1-related conditions. An algorithm developed to predict the effect of missense changes on protein structure and function (PolyPhen-2) suggests that this variant is likely to be disruptive. In summary, the available evidence is currently insufficient to determine the role of this variant in disease. Therefore, it has been classified as a Variant of Uncertain Significance.